The following is an entry in ClinVar:

ClinVar aggregate classification (germline): Likely pathogenic (1 of 4 stars; one submission).

Conditions:
Long chain 3-hydroxyacyl-CoA dehydrogenase deficiency. Also called: LCHAD Deficiency; Deficiency of long-chain 3-hydroxyacyl-coenzyme A dehydrogenase. Identifiers: Orphanet 5, MedGen C3711645, MONDO:0012173, OMIM 609016.

gnomAD v4.1: 1 of 1,604,762 alleles (0.000062%); highest among the groups gnomAD compares: Non-Finnish European, 0.000085%; no homozygotes.

Submission:

Women's Health and Genetics/Laboratory Corporation of America, LabCorp
Classification: Likely pathogenic for Long chain 3-hydroxyacyl-CoA dehydrogenase deficiency. Last evaluated: 2025-03-14. Review status: criteria provided, single submitter. Criteria: LabCorp Variant Classification Summary - May 2015. Collection method: clinical testing. Allele origin: germline.
Comment: Variant summary: HADHA c.1621-2A>G is located in a canonical splice-site and is predicted to affect mRNA splicing resulting in a significantly altered protein due to either exon skipping, shortening, or inclusion of intronic material. Variants that disrupt the consensus splice site are a relatively common cause of aberrant splicing and loss of HADHA function. Several computational tools predict a significant impact on normal splicing: Four predict the variant abolishes a 3' acceptor site. However, these predictions have yet to be confirmed by functional studies. The variant was absent in 251368 control chromosomes. To our knowledge, no occurrence of c.1621-2A>G in individuals affected with Long Chain 3-Hydroxyacyl-CoA Dehydrogenase Deficiency and no experimental evidence demonstrating its impact on protein function have been reported. No submitters have cited clinical-significance assessments for this variant to ClinVar. Based on the evidence outlined above, the variant was classified as likely pathogenic.

NM_000182.5(HADHA):c.1621-2A>G

Genes: GAREM2 (GRB2 associated regulator of MAPK1 subtype 2; plus strand), HADHA (hydroxyacyl-CoA dehydrogenase trifunctional multienzyme complex subunit alpha; minus strand). Cytogenetic location: 2p23.3.
Variant type: single nucleotide variant.
Coding change: c.1621-2A>G on transcript NM_000182.5 (MANE Select); the canonical splice acceptor site of the intron before coding-DNA position 1621, A replaced by G.
Molecular consequence: splice acceptor variant.
Genome position (GRCh38, 1-based): chr2:26,194,640, T>C on the plus strand (A>G on the coding strand, the complement: HADHA is on the minus strand). VCF-style: chr2-26194640-T-C. GRCh37 (hg19) VCF-style: chr2-26417509-T-C.
Identifiers: ClinVar variation 3895662 (VCV003895662.1).